The following is an entry in ClinVar:

ClinVar aggregate classification (germline): Likely benign (1 of 4 stars; one submission).

gnomAD v4.1: 3 of 1,610,556 alleles (0.00019%); highest among the groups gnomAD compares: Non-Finnish European, 0.00025%; no homozygotes.

Submission:

Center for Genomic Medicine, Rigshospitalet, Copenhagen University Hospital
Classification: Likely benign. Last evaluated: 2025-12-29. Review status: criteria provided, single submitter. Criteria: ACMG Guidelines, 2015. Collection method: clinical testing. Allele origin: germline.
Comment: Classification criteria: BP4+BP7

NM_006231.4(POLE):c.721-24G>T

Gene: POLE (DNA polymerase epsilon, catalytic subunit; minus strand). Cytogenetic location: 12q24.33.
Variant type: single nucleotide variant.
Coding change: c.721-24G>T on transcript NM_006231.4 (MANE Select); 24 bases into the intron before coding-DNA position 721, G replaced by T.
Molecular consequence: intron variant.
Genome position (GRCh38, 1-based): chr12:132,677,467, C>A on the plus strand (G>T on the coding strand, the complement: POLE is on the minus strand). VCF-style: chr12-132677467-C-A. GRCh37 (hg19) VCF-style: chr12-133254053-C-A.
Identifiers: ClinVar variation 4539353 (VCV004539353.1).